The following is an entry in ClinVar:

NM_001370259.2(MEN1):c.1350+1G>A

Gene: MEN1 (menin 1; minus strand). Cytogenetic location: 11q13.1.
Variant type: single nucleotide variant.
Coding change: c.1350+1G>A on transcript NM_001370259.2 (MANE Select); the canonical splice donor site of the intron after coding-DNA position 1350, G replaced by A.
Molecular consequence: splice donor variant. On other transcripts: intron variant (1).
Genome position (GRCh38, 1-based): chr11:64,805,033, C>T on the plus strand (G>A on the coding strand, the complement: MEN1 is on the minus strand). VCF-style: chr11-64805033-C-T. GRCh37 (hg19) VCF-style: chr11-64572505-C-T.
Other names: IVS9, G-A, +1; c.1365+1G>A (NM_130804.3, NM_130803.3, NM_000244.4 and 4 more transcripts); c.1245+1G>A (NM_001407148.1, NM_001407149.1, NM_001370263.2 and 1 more transcripts); c.1350+1G>A (NM_130799.3, NM_001370260.2, NM_001407146.1 and 2 more transcripts); c.1476+1G>A (NM_001407144.1, NM_001370251.2, NM_001407142.1 and 1 more transcripts); c.1371+1G>A (NM_001407151.1); c.1186-217G>A (NM_001407152.1); c.1491+1G>A (NM_001407150.1).
Identifiers: ClinVar variation 16707 (VCV000016707.8), dbSNP rs863223311, ClinGen allele CA278894.

ClinVar aggregate classification (germline): Pathogenic. Review status: criteria provided, multiple submitters, no conflicts (2 of 4 stars). 3 submissions from 3 submitters: Pathogenic (2). 1 of the submissions does not count toward it. Last evaluated 2025-08-24.

Conditions:
Hereditary cancer-predisposing syndrome. Also called: Hereditary neoplastic syndrome; Neoplastic Syndromes, Hereditary; Tumor predisposition; Hereditary Cancer Syndrome. Identifiers: Orphanet 140162, MedGen C0027672, MeSH D009386, MONDO:0015356.
Multiple endocrine neoplasia, type 1 (MEN1). Also called: MEA I; Endocrine adenomatosis multiple; MEN 1; MEN I; WERMER SYNDROME. Identifiers: Orphanet 652, MedGen C0025267, MeSH D018761, MONDO:0007540, OMIM 131100.
Hyperparathyroidism 1 (HRPT1). Also called: HYPERPARATHYROIDISM, FAMILIAL ISOLATED PRIMARY. Identifiers: Orphanet 99879, MedGen C1840402, MONDO:0007767, OMIM 145000.

Submissions (3):

Labcorp Genetics (formerly Invitae), Labcorp
Classification: Pathogenic for Multiple endocrine neoplasia, type 1. Last evaluated: 2025-08-24. Review status: criteria provided, single submitter. Criteria: Invitae Variant Classification Sherloc (09022015). Collection method: clinical testing. Allele origin: germline.
Comment: This sequence change affects a donor splice site in intron 9 of the MEN1 gene. RNA analysis indicates that disruption of this splice site induces altered splicing and likely disrupts the C-terminus of the protein. This variant is not present in population databases (gnomAD no frequency). Disruption of this splice site has been observed in individual(s) with hyperparathyroidism and/or multiple endocrine neoplasia type 1 (PMID: 15292357, 29416715). ClinVar contains an entry for this variant (Variation ID: 16707). Variants that disrupt the consensus splice site are a relatively common cause of aberrant splicing (PMID: 17576681, 9536098). Studies have shown that disruption of this splice site results in retention of intron 9 which introduces a premature stop codon and introduces a new termination codon (PMID: 29416715). However the mRNA is not expected to undergo nonsense-mediated decay. This variant disrupts a region of the MEN1 protein in which other variant(s) (p.Ser555Asn) have been determined to be pathogenic (PMID: 9683585, 15254225, 21819486). This suggests that this is a clinically significant region of the protein, and that variants that disrupt it are likely to be disease-causing. For these reasons, this variant has been classified as Pathogenic.

Ambry Genetics
Classification: Pathogenic for Hereditary cancer-predisposing syndrome. Last evaluated: 2023-03-29. Review status: criteria provided, single submitter. Criteria: Ambry Variant Classification Scheme 2023. Collection method: clinical testing. Allele origin: germline.
Comment: The c.1350+1G>A intronic pathogenic mutation results from a G to A substitution one nucleotide after coding exon 8 of the MEN1 gene. This alteration has been reported in a Chilean family with familial isolated hyperparathyroidism. RNA analyses on patient leukocytes demonstrated that c.1350+1G>A results in intron retention (Carrasco et al. J Clin Endoc Metab 2004 Aug; 89(8): 4124-9). This nucleotide position is highly conserved in available vertebrate species. In silico splice site analysis predicts that this alteration will weaken the native splice donor site and will result in the creation or strengthening of a novel splice donor site. RNA studies have demonstrated that this alteration results in abnormal splicing in the set of samples tested (Ambry internal data). In addition to the clinical data presented in the literature, alterations that disrupt the canonical splice site are expected to cause aberrant splicing, resulting in an abnormal protein or a transcript that is subject to nonsense-mediated mRNA decay. As such, this alteration is classified as a disease-causing mutation.

OMIM
Classification: Pathogenic for HYPERPARATHYROIDISM, FAMILIAL ISOLATED PRIMARY. Last evaluated: 2004-08-01. Review status: no assertion criteria provided. Collection method: literature only. Allele origin: germline. Not counted in ClinVar's aggregate classification.

Literature cited by the submitters: PubMed 15292357 (cited by 3 submitters); PubMed 29416715 (cited by Labcorp Genetics (formerly Invitae), Labcorp); PubMed 17576681 (cited by Labcorp Genetics (formerly Invitae), Labcorp); PubMed 9536098 (cited by Labcorp Genetics (formerly Invitae), Labcorp); PubMed 9683585 (cited by Labcorp Genetics (formerly Invitae), Labcorp); PubMed 15254225 (cited by Labcorp Genetics (formerly Invitae), Labcorp); PubMed 21819486 (cited by Labcorp Genetics (formerly Invitae), Labcorp).